The following is an entry in ClinVar:

ClinVar aggregate classification (germline): Uncertain significance (1 of 4 stars; one submission).

Conditions:
Autosomal dominant nocturnal frontal lobe epilepsy 5. Also called: Epilepsy, nocturnal frontal lobe, 5; CILIARY DYSKINESIA, PRIMARY, 28, WITHOUT SITUS INVERSUS; CILIARY DYSKINESIA, PRIMARY, 28, WITH SITUS INVERSUS; KCNT1-Related Epilepsy. Identifiers: Orphanet 98784, MedGen C3554306, MONDO:0014002, OMIM 615005.
Developmental and epileptic encephalopathy, 14 (DEE14). Also called: Early infantile epileptic encephalopathy 14. Identifiers: Orphanet 293181, MedGen C3554195, MONDO:0013989, OMIM 614959.

Submission:

Labcorp Genetics (formerly Invitae), Labcorp
Classification: Uncertain significance for Autosomal dominant nocturnal frontal lobe epilepsy 5; Developmental and epileptic encephalopathy, 14. Last evaluated: 2023-05-16. Review status: criteria provided, single submitter. Criteria: Invitae Variant Classification Sherloc (09022015). Collection method: clinical testing. Allele origin: germline.
Comment: This variant is not present in population databases (gnomAD no frequency). This sequence change replaces tryptophan, which is neutral and slightly polar, with glycine, which is neutral and non-polar, at codon 325 of the KCNT1 protein (p.Trp325Gly). In summary, the available evidence is currently insufficient to determine the role of this variant in disease. Therefore, it has been classified as a Variant of Uncertain Significance. Advanced modeling of protein sequence and biophysical properties (such as structural, functional, and spatial information, amino acid conservation, physicochemical variation, residue mobility, and thermodynamic stability) performed at Invitae indicates that this missense variant is expected to disrupt KCNT1 protein function. This variant has not been reported in the literature in individuals affected with KCNT1-related conditions.

NM_020822.3(KCNT1):c.973T>G (p.Trp325Gly)

Gene: KCNT1 (potassium sodium-activated channel subfamily T member 1; plus strand). Cytogenetic location: 9q34.3.
Variant type: single nucleotide variant.
Coding change: c.973T>G on transcript NM_020822.3 (MANE Select); coding-DNA position 973, T replaced by G.
Protein change: p.Trp325Gly; replaces tryptophan 325 with glycine.
Molecular consequence: missense variant.
Genome position (GRCh38, 1-based): chr9:135,759,797, T>G. VCF-style: chr9-135759797-T-G. GRCh37 (hg19) VCF-style: chr9-138651643-T-G.
Other names: c.838T>G, p.Trp280Gly (NM_001272003.2); short protein forms W280G, W325G.
Identifiers: ClinVar variation 2939806 (VCV002939806.3), dbSNP rs2490861641, ClinGen allele CA375498605.